The following is an entry in ClinVar:

ClinVar aggregate classification (germline): Likely pathogenic (1 of 4 stars; one submission).

Submission:

Labcorp Genetics (formerly Invitae), Labcorp
Classification: Likely pathogenic. Last evaluated: 2021-09-07. Review status: criteria provided, single submitter. Criteria: Invitae Variant Classification Sherloc (09022015). Collection method: clinical testing. Allele origin: germline.
Comment: This variant results in a copy number gain of the genomic region encompassing exon(s) 24-25 of the ABCC2 gene. While the exact position of this variant cannot be determined from the data, sub-genic copy number gains are generally in tandem (PMID: 25640679). This variant is predicted to be out-of-frame, and may result in an absent or disrupted protein product. Loss-of-function variants in ABCC2 are known to be pathogenic (PMID: 9185779, 16549534, 16952291). A similar copy number variant has been observed in individual(s) with intrahepatic cholestasis of pregnancy (PMID: 28924228). In summary, the currently available evidence indicates that the variant is pathogenic, but additional data are needed to prove that conclusively. Therefore, this variant has been classified as Likely Pathogenic.

Literature cited by the submitters: PubMed 25640679; PubMed 9185779; PubMed 16549534; PubMed 16952291; PubMed 28924228.

NC_000010.10:g.(?_101594137)_(101596047_?)dup

Gene: ABCC2 (ATP binding cassette subfamily C member 2; plus strand). Cytogenetic location: 10q24.2.
Variant type: Duplication.
Identifiers: ClinVar variation 1509672 (VCV001509672.5).